The following is an entry in ClinVar:

NM_004104.5(FASN):c.2984G>A (p.Arg995His)

Gene: FASN (fatty acid synthase; minus strand). Cytogenetic location: 17q25.3.
Variant type: single nucleotide variant.
Coding change: c.2984G>A on transcript NM_004104.5 (MANE Select); coding-DNA position 2984, G replaced by A.
Protein change: p.Arg995His; replaces arginine 995 with histidine.
Molecular consequence: missense variant.
Genome position (GRCh38, 1-based): chr17:82,087,744, C>T on the plus strand (G>A on the coding strand, the complement: FASN is on the minus strand). VCF-style: chr17-82087744-C-T. GRCh37 (hg19) VCF-style: chr17-80045620-C-T.
Other names: short protein forms R995H.
Identifiers: ClinVar variation 531055 (VCV000531055.6), dbSNP rs376650647, ClinGen allele CA8852562.

ClinVar aggregate classification (germline): Uncertain significance (1 of 4 stars; one submission).

Conditions:
Epileptic encephalopathy. Identifiers: MedGen C0543888, HP:0200134.

Allele frequency attached by ClinVar (database versions not stated): gnomAD exomes 0.00001; TOPMed 0.00003; gnomAD 0.00004 and 0.00003; ExAC 0.00002; ESP Exome Variant Server 0.00008.
gnomAD v4.1: 27 of 1,612,372 alleles (0.0017%); highest among the groups gnomAD compares: Non-Finnish European, 0.0019%; no homozygotes.

Submission:

Labcorp Genetics (formerly Invitae), Labcorp
Classification: Uncertain significance for Epileptic encephalopathy. Last evaluated: 2022-11-18. Review status: criteria provided, single submitter. Criteria: Invitae Variant Classification Sherloc (09022015). Collection method: clinical testing. Allele origin: germline.
Comment: This sequence change replaces arginine, which is basic and polar, with histidine, which is basic and polar, at codon 995 of the FASN protein (p.Arg995His). In summary, the available evidence is currently insufficient to determine the role of this variant in disease. Therefore, it has been classified as a Variant of Uncertain Significance. Algorithms developed to predict the effect of missense changes on protein structure and function (SIFT, PolyPhen-2, Align-GVGD) all suggest that this variant is likely to be tolerated. ClinVar contains an entry for this variant (Variation ID: 531055). This variant has not been reported in the literature in individuals affected with FASN-related conditions. This variant is present in population databases (rs376650647, gnomAD 0.003%).